The following is an entry in ClinVar:

ClinVar aggregate classification (germline): Conflicting classifications of pathogenicity. Review status: criteria provided, conflicting classifications (1 of 4 stars). 2 submissions from 2 submitters: Likely pathogenic (1); Uncertain significance (1). Last evaluated 2023-02-01.

Allele frequency attached by ClinVar (database versions not stated): ExAC 0.00001; gnomAD exomes 0.00001; TOPMed 0.00001; gnomAD 0.00002; 1000 Genomes Project 0.00020; 1000 Genomes Project 30x 0.00031.
gnomAD v4.1: 22 of 1,613,310 alleles (0.0014%); highest among the groups gnomAD compares: South Asian, 0.0033%; no homozygotes.

Submissions (2):

CeGaT Center for Human Genetics Tuebingen
Classification: Likely pathogenic. Last evaluated: 2023-02-01. Review status: criteria provided, single submitter. Criteria: CeGaT Center For Human Genetics Tuebingen Variant Classification Criteria Version 2. Collection method: clinical testing. Allele origin: germline. Affected: yes. Observed: 1 variant allele.

Labcorp Genetics (formerly Invitae), Labcorp
Classification: Uncertain significance. Last evaluated: 2022-03-04. Review status: criteria provided, single submitter. Criteria: Invitae Variant Classification Sherloc (09022015). Collection method: clinical testing. Allele origin: germline.
Comment: Advanced modeling of protein sequence and biophysical properties (such as structural, functional, and spatial information, amino acid conservation, physicochemical variation, residue mobility, and thermodynamic stability) performed at Invitae indicates that this missense variant is expected to disrupt COL4A2 protein function. This sequence change replaces glycine, which is neutral and non-polar, with serine, which is neutral and polar, at codon 587 of the COL4A2 protein (p.Gly587Ser). This variant is present in population databases (rs561349636, gnomAD 0.003%). This variant has not been reported in the literature in individuals affected with COL4A2-related conditions. In summary, the available evidence is currently insufficient to determine the role of this variant in disease. Therefore, it has been classified as a Variant of Uncertain Significance.

NM_001846.4(COL4A2):c.1759G>A (p.Gly587Ser)

Genes: COL4A2 (collagen type IV alpha 2 chain; plus strand), COL4A2-AS2 (COL4A2 antisense RNA 2; minus strand). Cytogenetic location: 13q34.
Variant type: single nucleotide variant.
Coding change: c.1759G>A on transcript NM_001846.4 (MANE Select); coding-DNA position 1759, G replaced by A.
Protein change: p.Gly587Ser; replaces glycine 587 with serine.
Molecular consequence: missense variant.
Genome position (GRCh38, 1-based): chr13:110,462,367, G>A. VCF-style: chr13-110462367-G-A. GRCh37 (hg19) VCF-style: chr13-111114714-G-A.
Other names: short protein forms G587S.
Identifiers: ClinVar variation 2138402 (VCV002138402.32), dbSNP rs561349636, ClinGen allele CA7049701.
Genomic context (GRCh38, chr13:110,462,367, plus strand): 5'-GTGCCCGGGATGAAAGGTGACGATGGCAGCCCAGGCCGCGATGGGCTCGATGGATTCCCC[G>A]GCCTCCCAGGCCCTCCCGTGAGTAGCCACAAACTGCGGCAGCTCCGTCCTCTCTTCTTCA-3'
Protein context (NP_001837.2, residues 577-597): PGRDGLDGFP[Gly587Ser]LPGPPGDGIK